The following is an entry in ClinVar:

ClinVar aggregate classification (germline): Conflicting classifications of pathogenicity. Review status: criteria provided, conflicting classifications (1 of 4 stars). 3 submissions from 3 submitters: Uncertain significance (1); Likely benign (1). 1 of the submissions does not count toward it. Last evaluated 2025-10-02.

Conditions:
Inborn genetic diseases. Identifiers: MedGen C0950123, MeSH D030342.
Carnitine palmitoyl transferase 1A deficiency. Also called: Carnitine palmitoyltransferase type I deficiency; CPT I DEFICIENCY; CPT DEFICIENCY, HEPATIC, TYPE I; CPT deficiency, hepatic, type IA; Carnitine palmitoyltransferase 1A deficiency. Identifiers: Orphanet 156, MedGen C1829703, MONDO:0009705, OMIM 255120.

Allele frequency attached by ClinVar (database versions not stated): ExAC 0.00002; gnomAD 0.00002 and 0.00003; gnomAD exomes 0.00002; TOPMed 0.00002; 1000 Genomes Project 30x 0.00016; 1000 Genomes Project 0.00020.
gnomAD v4.1: 38 of 1,613,944 alleles (0.0024%); highest among the groups gnomAD compares: Admixed American, 0.005%; no homozygotes.

Submissions (3):

Labcorp Genetics (formerly Invitae), Labcorp
Classification: Uncertain significance for Carnitine palmitoyl transferase 1A deficiency. Last evaluated: 2025-10-02. Review status: criteria provided, single submitter. Criteria: Invitae Variant Classification Sherloc (09022015). Collection method: clinical testing. Allele origin: germline.
Comment: This sequence change replaces aspartic acid, which is acidic and polar, with asparagine, which is neutral and polar, at codon 614 of the CPT1A protein (p.Asp614Asn). This variant is present in population databases (rs200893871, gnomAD 0.006%). This variant has not been reported in the literature in individuals affected with CPT1A-related conditions. ClinVar contains an entry for this variant (Variation ID: 990106). Invitae Evidence Modeling of protein sequence and biophysical properties (such as structural, functional, and spatial information, amino acid conservation, physicochemical variation, residue mobility, and thermodynamic stability) indicates that this missense variant is not expected to disrupt CPT1A protein function with a negative predictive value of 95%. In summary, the available evidence is currently insufficient to determine the role of this variant in disease. Therefore, it has been classified as a Variant of Uncertain Significance.

Ambry Genetics
Classification: Likely benign for Inborn genetic diseases. Last evaluated: 2024-01-04. Review status: criteria provided, single submitter. Criteria: Ambry Variant Classification Scheme 2023. Collection method: clinical testing. Allele origin: germline.

Natera, Inc.
Classification: Uncertain significance for Carnitine palmitoyltransferase type I deficiency. Last evaluated: 2020-04-16. Review status: no assertion criteria provided. Collection method: clinical testing. Allele origin: germline. Not counted in ClinVar's aggregate classification.

NM_001876.4(CPT1A):c.1840G>A (p.Asp614Asn)

Gene: CPT1A (carnitine palmitoyltransferase 1A; minus strand). Cytogenetic location: 11q13.3.
Variant type: single nucleotide variant.
Coding change: c.1840G>A on transcript NM_001876.4 (MANE Select); coding-DNA position 1840, G replaced by A.
Protein change: p.Asp614Asn; replaces aspartic acid 614 with asparagine.
Molecular consequence: missense variant.
Genome position (GRCh38, 1-based): chr11:68,762,662, C>T on the plus strand (G>A on the coding strand, the complement: CPT1A is on the minus strand). VCF-style: chr11-68762662-C-T. GRCh37 (hg19) VCF-style: chr11-68530130-C-T.
Other names: c.1840G>A, p.Asp614Asn (NM_001031847.3); c.1840G>A (NM_001876.3); short protein forms D614N.
Identifiers: ClinVar variation 990106 (VCV000990106.5), dbSNP rs200893871, ClinGen allele CA6152188.